The following is an entry in ClinVar:

ClinVar aggregate classification (germline): Pathogenic (1 of 4 stars; one submission).

Conditions:
Mowat-Wilson syndrome (MOWS). Also called: Classic Mowat-Wilson Syndrome. Identifiers: Orphanet 2152, MedGen C1856113, MONDO:0009341, OMIM 235730.

Submission:

Labcorp Genetics (formerly Invitae), Labcorp
Classification: Pathogenic for Mowat-Wilson syndrome. Last evaluated: 2023-08-24. Review status: criteria provided, single submitter. Criteria: Invitae Variant Classification Sherloc (09022015). Collection method: clinical testing. Allele origin: germline.
Comment: For these reasons, this variant has been classified as Pathogenic. This variant disrupts a region of the ZEB2 protein in which other variant(s) (p.Gln1119Arg) have been determined to be pathogenic (PMID: 16688751). This suggests that this is a clinically significant region of the protein, and that variants that disrupt it are likely to be disease-causing. This variant has not been reported in the literature in individuals affected with ZEB2-related conditions. This variant is not present in population databases (gnomAD no frequency). This sequence change creates a premature translational stop signal (p.Gln1072Glyfs*4) in the ZEB2 gene. While this is not anticipated to result in nonsense mediated decay, it is expected to disrupt the last 143 amino acid(s) of the ZEB2 protein.

Literature cited by the submitters: PubMed 16688751.

NM_014795.4(ZEB2):c.3213_3214insGG (p.Gln1072fs)

Gene: ZEB2 (zinc finger E-box binding homeobox 2; minus strand). Cytogenetic location: 2q22.3.
Variant type: Insertion.
Coding change: c.3213_3214insGG on transcript NM_014795.4 (MANE Select); coding-DNA positions 3213 to 3214, GG inserted.
Protein change: p.Gln1072fs; shifts the reading frame from glutamine 1072.
Molecular consequence: frameshift variant.
Genome position: GRCh38 VCF-style: chr2-144389882-G-GCC. GRCh37 (hg19) VCF-style: chr2-145147449-G-GCC.
Other names: c.3141_3142insGG, p.Gln1048fs (NM_001171653.2); short protein forms Q1072fs, Q1048fs.
Identifiers: ClinVar variation 2810828 (VCV002810828.3), dbSNP rs1553960776, ClinGen allele CA2739271219.
Genomic context (GRCh38, chr2:144,389,882, plus strand): 5'-CCGCCGCTTCCCGCTCCTCCGCCTCCCGCTTGCAGTAGGAATACCTGTGATTCATGTGCT[G>GCC]CGAGTACGAGCCCGAGTGTGAGAAGCGCTTGCCACATTTATCACACTGATAGGGCTTCTC-3'